The following is an entry in ClinVar:

ClinVar aggregate classification (germline): Uncertain significance (1 of 4 stars; one submission).

Conditions:
2-aminoadipic 2-oxoadipic aciduria (AAKAD). Also called: Aminoadipic aciduria; ALPHA-AMINOADIPIC AND ALPHA-KETOADIPIC ACIDURIA. Identifiers: Orphanet 79154, MedGen C1859817, MONDO:0008774, OMIM 204750.

Allele frequency attached by ClinVar (database versions not stated): ESP Exome Variant Server 0.00008.
gnomAD v4.1: 15 of 1,613,966 alleles (0.00093%); highest among the groups gnomAD compares: South Asian, 0.0055%; no homozygotes.

Submission:

Labcorp Genetics (formerly Invitae), Labcorp
Classification: Uncertain significance for 2-aminoadipic 2-oxoadipic aciduria. Last evaluated: 2025-06-02. Review status: criteria provided, single submitter. Criteria: Invitae Variant Classification Sherloc (09022015). Collection method: clinical testing. Allele origin: germline.
Comment: This sequence change replaces arginine, which is basic and polar, with tryptophan, which is neutral and slightly polar, at codon 149 of the DHTKD1 protein (p.Arg149Trp). This variant is present in population databases (rs141125831, gnomAD 0.008%). This variant has not been reported in the literature in individuals affected with DHTKD1-related conditions. ClinVar contains an entry for this variant (Variation ID: 1479873). Invitae Evidence Modeling of protein sequence and biophysical properties (such as structural, functional, and spatial information, amino acid conservation, physicochemical variation, residue mobility, and thermodynamic stability) indicates that this missense variant is not expected to disrupt DHTKD1 protein function with a negative predictive value of 80%. In summary, the available evidence is currently insufficient to determine the role of this variant in disease. Therefore, it has been classified as a Variant of Uncertain Significance.

NM_018706.7(DHTKD1):c.445C>T (p.Arg149Trp)

Gene: DHTKD1 (dehydrogenase E1 and transketolase domain containing 1; plus strand). Cytogenetic location: 10p14.
Variant type: single nucleotide variant.
Coding change: c.445C>T on transcript NM_018706.7 (MANE Select); coding-DNA position 445, C replaced by T.
Protein change: p.Arg149Trp; replaces arginine 149 with tryptophan.
Molecular consequence: missense variant.
Genome position (GRCh38, 1-based): chr10:12,084,674, C>T. VCF-style: chr10-12084674-C-T. GRCh37 (hg19) VCF-style: chr10-12126673-C-T.
Other names: short protein forms R149W.
Identifiers: ClinVar variation 1479873 (VCV001479873.8), dbSNP rs141125831, ClinGen allele CA5407536.
Genomic context (GRCh38, chr10:12,084,674, plus strand): 5'-CAGATTTCTATTGAAACCTCCCAACTTCAGAGCCAGGATGAGAAAGACTGGTTTGCCAAG[C>T]GGTTTGAGGAACTGCAAAAGGAGACGTTTACCACAGAAGAGCGAAAACATCTGTCGAAAC-3'
Protein context (NP_061176.4, residues 139-159): SQDEKDWFAK[Arg149Trp]FEELQKETFT